The following is an entry in ClinVar:

ClinVar aggregate classification (germline): Conflicting classifications of pathogenicity. Review status: criteria provided, conflicting classifications (1 of 4 stars). 2 submissions from 2 submitters: Uncertain significance (1); Likely benign (1). Last evaluated 2024-08-12.

Conditions:
Bethlem myopathy 1A. Also called: Bethlem Muscular Dystrophy; Bethlem myopathy 1; MYOPATHY, BENIGN CONGENITAL, WITH CONTRACTURES. Identifiers: Orphanet 610, MedGen CN029274, MONDO:0024530, OMIM 158810.

Allele frequency attached by ClinVar (database versions not stated): gnomAD 0.00001 and 0.00002; TOPMed 0.00001; gnomAD exomes 0.00007; ExAC 0.00010.
gnomAD v4.1: 77 of 1,611,478 alleles (0.0048%); highest among the groups gnomAD compares: South Asian, 0.063%; 1 homozygote.

Submissions (2):

Labcorp Genetics (formerly Invitae), Labcorp
Classification: Likely benign for Bethlem myopathy 1A. Last evaluated: 2024-08-12. Review status: criteria provided, single submitter. Criteria: Invitae Variant Classification Sherloc (09022015). Collection method: clinical testing. Allele origin: germline.

GeneDx
Classification: Uncertain significance. Last evaluated: 2019-04-15. Review status: criteria provided, single submitter. Criteria: GeneDx Variant Classification Process June 2021. Collection method: clinical testing. Allele origin: germline. Affected: yes.
Comment: In silico analysis, which includes protein predictors and evolutionary conservation, supports a deleterious effect; Has not been previously published as pathogenic or benign to our knowledge

NM_001848.3(COL6A1):c.269C>T (p.Ala90Val)

Gene: COL6A1 (collagen type VI alpha 1 chain; plus strand). Cytogenetic location: 21q22.3.
Variant type: single nucleotide variant.
Coding change: c.269C>T on transcript NM_001848.3 (MANE Select); coding-DNA position 269, C replaced by T.
Protein change: p.Ala90Val; replaces alanine 90 with valine.
Molecular consequence: missense variant.
Genome position (GRCh38, 1-based): chr21:45,984,310, C>T. VCF-style: chr21-45984310-C-T. GRCh37 (hg19) VCF-style: chr21-47404224-C-T.
Other names: short protein forms A90V.
Identifiers: ClinVar variation 641884 (VCV000641884.14), dbSNP rs766517983, ClinGen allele CA10069513.
Genomic context (GRCh38, chr21:45,984,310, plus strand): 5'-CCGTGCCTGTTCCTGGCAGGTACTACCGCTGTGACCGAAACCTGGTGTGGAACGCAGGCG[C>T]GCTGCACTACAGTGACGAGGTGGAGATCATCCAAGGCCTCACGCGCATGCCTGGCGGCCG-3'
Protein context (NP_001839.2, residues 80-100): CDRNLVWNAG[Ala90Val]LHYSDEVEII